The following is an entry in ClinVar:

ClinVar aggregate classification (germline): Likely benign (1 of 4 stars; one submission).

Allele frequency attached by ClinVar (database versions not stated): gnomAD exomes below 0.00001.
gnomAD v4.1: 1 of 1,194,287 alleles (0.000084%); highest among the groups gnomAD compares: Non-Finnish European, 0.00011%; no homozygotes.

Submission:

CeGaT Center for Human Genetics Tuebingen
Classification: Likely benign. Last evaluated: 2022-10-01. Review status: criteria provided, single submitter. Criteria: CeGaT Center For Human Genetics Tuebingen Variant Classification Criteria Version 2. Collection method: clinical testing. Allele origin: germline. Affected: yes. Observed: 1 variant allele.
Comment: PDK3: BP4, BP7

NM_005391.5(PDK3):c.579G>A (p.Val193=)

Gene: PDK3 (pyruvate dehydrogenase kinase 3; plus strand). Cytogenetic location: Xp22.11.
Variant type: single nucleotide variant.
Coding change: c.579G>A on transcript NM_005391.5 (MANE Select); coding-DNA position 579, G replaced by A.
Protein change: p.Val193=; no amino-acid change (valine 193 retained).
Molecular consequence: synonymous variant.
Genome position (GRCh38, 1-based): chrX:24,505,282, G>A. VCF-style: chrX-24505282-G-A. GRCh37 (hg19) VCF-style: chrX-24523399-G-A.
Other names: c.579G>A, p.Val193= (NM_001142386.3).
Identifiers: ClinVar variation 2660192 (VCV002660192.24), dbSNP rs1438877046, ClinGen allele CA515737616.